The following is an entry in ClinVar:

NM_000426.4(LAMA2):c.5469C>T (p.Ser1823=)

Gene: LAMA2 (laminin subunit alpha 2; plus strand). Cytogenetic location: 6q22.33.
Variant type: single nucleotide variant.
Coding change: c.5469C>T on transcript NM_000426.4 (MANE Select); coding-DNA position 5469, C replaced by T.
Protein change: p.Ser1823=; no amino-acid change (serine 1823 retained).
Molecular consequence: synonymous variant.
Genome position (GRCh38, 1-based): chr6:129,401,247, C>T. VCF-style: chr6-129401247-C-T. GRCh37 (hg19) VCF-style: chr6-129722392-C-T.
Other names: c.5469C>T, p.Ser1823= (NM_001079823.2).
Identifiers: ClinVar variation 355279 (VCV000355279.19), dbSNP rs753886576, ClinGen allele CA3993891.
Genomic context (GRCh38, chr6:129,401,247, plus strand): 5'-AATGCAATTTTGATGTCTTGTTCATAATGGTCTACAGAAAAAGAAGGAGGCTGTTGAAAG[C>T]GGCAAACGACAAATTGAGAACACTTTAAAAGAGGGCAATGACATACTCGATGAAGCCAAC-3'
Protein context (NP_000417.3, residues 1813-1833): ALEKKKEAVE[Ser1823=]GKRQIENTLK

ClinVar aggregate classification (germline): Conflicting classifications of pathogenicity. Review status: criteria provided, conflicting classifications (1 of 4 stars). 5 submissions from 5 submitters: Uncertain significance (2); Likely benign (3). Last evaluated 2025-10-20.

Conditions:
Congenital muscular dystrophy due to partial LAMA2 deficiency. Identifiers: MedGen C1842898.
LAMA2-related muscular dystrophy (LAMA2-RD). Also called: Laminin alpha 2-related dystrophy. Identifiers: MedGen C5679788, MONDO:0100228.

Allele frequency attached by ClinVar (database versions not stated): gnomAD 0.00004 and 0.00005; gnomAD exomes 0.00004 and 0.00006; ExAC 0.00005; TOPMed 0.00006.
gnomAD v4.1: 68 of 1,608,868 alleles (0.0042%); highest among the groups gnomAD compares: South Asian, 0.013%; no homozygotes.

Submissions (5):

Labcorp Genetics (formerly Invitae), Labcorp
Classification: Likely benign for LAMA2-related muscular dystrophy. Last evaluated: 2025-10-20. Review status: criteria provided, single submitter. Criteria: Invitae Variant Classification Sherloc (09022015). Collection method: clinical testing. Allele origin: germline.

Blueprint Genetics
Classification: Likely benign. Last evaluated: 2024-08-14. Review status: criteria provided, single submitter. Criteria: ACMG Guidelines, 2015. Collection method: clinical testing. Allele origin: germline.

Illumina Laboratory Services, Illumina
Classification: Uncertain significance for Congenital muscular dystrophy due to partial LAMA2 deficiency. Last evaluated: 2018-01-13. Review status: criteria provided, single submitter. Criteria: ICSL Variant Classification Criteria 13 December 2019. Collection method: clinical testing. Allele origin: germline.

GeneDx
Classification: Likely benign. Last evaluated: 2017-01-31. Review status: criteria provided, single submitter. Criteria: GeneDx Variant Classification (06012015). Collection method: clinical testing. Allele origin: germline. Affected: yes.
Comment: This variant is considered likely benign or benign based on one or more of the following criteria: it is a conservative change, it occurs at a poorly conserved position in the protein, it is predicted to be benign by multiple in silico algorithms, and/or has population frequency not consistent with disease.

Eurofins Ntd Llc (ga)
Classification: Uncertain significance. Last evaluated: 2017-01-04. Review status: criteria provided, single submitter. Criteria: EGL Classification Definitions 2015. Collection method: clinical testing. Allele origin: germline. Observed: 1 variant allele, 1 heterozygote.